The following is an entry in ClinVar:

NM_001267550.2(TTN):c.80019T>G (p.Ser26673=)

Genes: TTN (titin; minus strand), TTN-AS1 (TTN antisense RNA 1; plus strand). Cytogenetic location: 2q31.2.
Variant type: single nucleotide variant.
Coding change: c.80019T>G on transcript NM_001267550.2 (MANE Select); coding-DNA position 80019, T replaced by G.
Protein change: p.Ser26673=; no amino-acid change (serine 26673 retained).
Molecular consequence: synonymous variant.
Genome position (GRCh38, 1-based): chr2:178,566,113, A>C on the plus strand (T>G on the coding strand, the complement: TTN is on the minus strand). VCF-style: chr2-178566113-A-C. GRCh37 (hg19) VCF-style: chr2-179430840-A-C.
Other names: c.75096T>G, p.Ser25032= (NM_001256850.1); c.52824T>G, p.Ser17608= (NM_003319.4); c.72315T>G, p.Ser24105= (NM_133378.4); c.53199T>G, p.Ser17733= (NM_133432.3); c.53400T>G, p.Ser17800= (NM_133437.4).
Identifiers: ClinVar variation 513334 (VCV000513334.13), dbSNP rs1347649738, ClinGen allele CA430252185.
Genomic context (GRCh38, chr2:178,566,113, plus strand): 5'-TTTGACTGCCAAATTCTGTGGTGGTCCTGGAGTGTCAAGAACTTTCACAGTTACAAAAGC[A>C]GACTTTGATCCACTGCTGTTTTCCAACTTAAGAATGTATTTTCCAGCATCATTTCTATCA-3'
Protein context (NP_001254479.2, residues 26663-26683): LKLENSSGSK[Ser26673=]AFVTVKVLDT

ClinVar aggregate classification (germline): Likely benign. Review status: criteria provided, multiple submitters, no conflicts (2 of 4 stars). 4 submissions from 4 submitters: Likely benign (4). Last evaluated 2025-10-28.

Conditions:
Autosomal recessive limb-girdle muscular dystrophy type 2J (LGMDR10). Also called: Limb-girdle muscular dystrophy, type 2J; MUSCULAR DYSTROPHY, LIMB-GIRDLE, AUTOSOMAL RECESSIVE 10. Identifiers: Orphanet 140922, MedGen C1837342, MONDO:0012127, OMIM 608807.
Dilated cardiomyopathy 1G (CMD1G). Identifiers: Orphanet 154, MedGen C1858763, MONDO:0011400, OMIM 604145.
TTN-related disorder. Also called: TTN-related condition; TTN-related disease; TTN-related disorders.
Cardiovascular phenotype. Identifiers: MedGen CN230736.

Allele frequency attached by ClinVar (database versions not stated): gnomAD 0.00001; TOPMed 0.00002.
gnomAD v4.1: 2 of 1,613,538 alleles (0.00012%); highest among the groups gnomAD compares: African/African-American, 0.0013%; no homozygotes.

Submissions (4):

PreventionGenetics, part of Exact Sciences
Classification: Likely benign for TTN-related condition. Last evaluated: 2025-10-28. Review status: criteria provided, single submitter. Criteria: ACMG Guidelines, 2015. Collection method: clinical testing. Allele origin: germline.
Comment: This variant is classified as likely benign based on ACMG/AMP sequence variant interpretation guidelines (Richards et al. 2015 PMID: 25741868, with internal and published modifications).

Labcorp Genetics (formerly Invitae), Labcorp
Classification: Likely benign for Dilated cardiomyopathy 1G; Autosomal recessive limb-girdle muscular dystrophy type 2J. Last evaluated: 2023-12-09. Review status: criteria provided, single submitter. Criteria: Invitae Variant Classification Sherloc (09022015). Collection method: clinical testing. Allele origin: germline.

Ambry Genetics
Classification: Likely benign for Cardiovascular phenotype. Last evaluated: 2023-06-28. Review status: criteria provided, single submitter. Criteria: Ambry Variant Classification Scheme 2023. Collection method: clinical testing. Allele origin: germline.

GeneDx
Classification: Likely benign. Last evaluated: 2017-11-07. Review status: criteria provided, single submitter. Criteria: GeneDx Variant Classification (06012015). Collection method: clinical testing. Allele origin: germline. Affected: yes.
Comment: This variant is considered likely benign or benign based on one or more of the following criteria: it is a conservative change, it occurs at a poorly conserved position in the protein, it is predicted to be benign by multiple in silico algorithms, and/or has population frequency not consistent with disease.